The following is an entry in ClinVar:

NM_000390.4(CHM):c.398C>T (p.Ala133Val)

Genes: CHM (CHM Rab escort protein; minus strand), LOC129391306 (MPRA-validated peak7401 silencer; plus strand). Cytogenetic location: Xq21.2.
Variant type: single nucleotide variant.
Coding change: c.398C>T on transcript NM_000390.4 (MANE Select); coding-DNA position 398, C replaced by T.
Protein change: p.Ala133Val; replaces alanine 133 with valine.
Molecular consequence: missense variant. On other transcripts: 5 prime UTR variant (4).
Genome position (GRCh38, 1-based): chrX:85,963,969, G>A on the plus strand (C>T on the coding strand, the complement: CHM is on the minus strand). VCF-style: chrX-85963969-G-A. GRCh37 (hg19) VCF-style: chrX-85218974-G-A.
Other names: c.-47C>T (NM_001320959.1, NM_001362517.1, NM_001362518.2 and 1 more transcripts); short protein forms A133V.
Identifiers: ClinVar variation 1480853 (VCV001480853.3), dbSNP rs867484071, ClinGen allele CA332655375.

ClinVar aggregate classification (germline): Uncertain significance (1 of 4 stars; one submission).

Allele frequency attached by ClinVar (database versions not stated): gnomAD exomes below 0.00001; gnomAD 0.00001.
gnomAD v4.1: 2 of 1,207,950 alleles (0.00017%); highest among the groups gnomAD compares: African/African-American, 0.0035%; no homozygotes.

Submission:

Labcorp Genetics (formerly Invitae), Labcorp
Classification: Uncertain significance. Last evaluated: 2022-07-26. Review status: criteria provided, single submitter. Criteria: Invitae Variant Classification Sherloc (09022015). Collection method: clinical testing. Allele origin: germline.
Comment: This sequence change replaces alanine, which is neutral and non-polar, with valine, which is neutral and non-polar, at codon 133 of the CHM protein (p.Ala133Val). This variant is not present in population databases (gnomAD no frequency). This variant has not been reported in the literature in individuals affected with CHM-related conditions. ClinVar contains an entry for this variant (Variation ID: 1480853). Algorithms developed to predict the effect of missense changes on protein structure and function (SIFT, PolyPhen-2, Align-GVGD) all suggest that this variant is likely to be tolerated. In summary, the available evidence is currently insufficient to determine the role of this variant in disease. Therefore, it has been classified as a Variant of Uncertain Significance.